The following is an entry in ClinVar:

NM_145728.3(SYNM):c.571G>C (p.Val191Leu)

Genes: SYNM (synemin; plus strand), SYNM-AS1 (SYNM antisense RNA 1; minus strand). Cytogenetic location: 15q26.3.
Variant type: single nucleotide variant.
Coding change: c.571G>C on transcript NM_145728.3 (MANE Select); coding-DNA position 571, G replaced by C.
Protein change: p.Val191Leu; replaces valine 191 with leucine.
Molecular consequence: missense variant. On other transcripts: non-coding transcript variant (1).
Genome position (GRCh38, 1-based): chr15:99,105,770, G>C. VCF-style: chr15-99105770-G-C. GRCh37 (hg19) VCF-style: chr15-99645976-G-C.
Other names: c.571G>C, p.Val191Leu (NM_015286.6); short protein forms V191L.
Identifiers: ClinVar variation 3040887 (VCV003040887.3), dbSNP rs112146171, ClinGen allele CA7753292.

ClinVar aggregate classification (germline): Uncertain significance. Review status: criteria provided, single submitter (1 of 4 stars). 2 submissions from 2 submitters: Uncertain significance (1). 1 of the submissions does not count toward it. Last evaluated 2025-08-24.

Conditions:
SYNM-related disorder. Also called: SYNM-related condition.

Allele frequency attached by ClinVar (database versions not stated): ESP Exome Variant Server 0.00135; 1000 Genomes Project 0.00339; 1000 Genomes Project 30x 0.00344.

Submissions (2):

Ambry Genetics
Classification: Uncertain significance. Last evaluated: 2025-08-24. Review status: criteria provided, single submitter. Criteria: Ambry Variant Classification Scheme 2023. Collection method: clinical testing. Allele origin: germline.

PreventionGenetics, part of Exact Sciences
Classification: Likely benign for SYNM-related condition. Last evaluated: 2019-02-21. Review status: no assertion criteria provided. Collection method: clinical testing. Allele origin: germline. Not counted in ClinVar's aggregate classification.
Comment: This variant is classified as likely benign based on ACMG/AMP sequence variant interpretation guidelines (Richards et al. 2015 PMID: 25741868, with internal and published modifications).